The following is an entry in ClinVar:

NM_001288705.3(CSF1R):c.802G>A (p.Val268Ile)

Gene: CSF1R (colony stimulating factor 1 receptor; minus strand). Cytogenetic location: 5q32.
Variant type: single nucleotide variant.
Coding change: c.802G>A on transcript NM_001288705.3 (MANE Select); coding-DNA position 802, G replaced by A.
Protein change: p.Val268Ile; replaces valine 268 with isoleucine.
Molecular consequence: missense variant. On other transcripts: non-coding transcript variant (2).
Genome position (GRCh38, 1-based): chr5:150,077,363, C>T on the plus strand (G>A on the coding strand, the complement: CSF1R is on the minus strand). VCF-style: chr5-150077363-C-T. GRCh37 (hg19) VCF-style: chr5-149456926-C-T.
Other names: c.802G>A, p.Val268Ile (NM_001349736.2, NM_001375320.1, NM_005211.4); c.358G>A, p.Val120Ile (NM_001375321.1); short protein forms V268I, V120I.
Identifiers: ClinVar variation 352161 (VCV000352161.15), dbSNP rs143274491, ClinGen allele CA3507059.

ClinVar aggregate classification (germline): Benign/Likely benign. Review status: criteria provided, multiple submitters, no conflicts (2 of 4 stars). 3 submissions from 3 submitters: Benign (1); Likely benign (1). 1 of the submissions does not count toward it. Last evaluated 2026-01-14.

Conditions:
CSF1R-related disorder. Also called: CSF1R-related condition. Identifiers: MedGen CN379780, MONDO:0100632.
Hereditary diffuse leukoencephalopathy with spheroids. Also called: LEUKOENCEPHALOPATHY, ADULT-ONSET, WITH AXONAL SPHEROIDS AND PIGMENTED GLIA. Identifiers: Orphanet 313808, MedGen C3711381, MONDO:0030796.

Allele frequency attached by ClinVar (database versions not stated): gnomAD exomes 0.00011 and 0.00025; ExAC 0.00026; ESP Exome Variant Server 0.00085; 1000 Genomes Project 30x 0.00094; gnomAD 0.00094 and 0.00107; 1000 Genomes Project 0.00100; TOPMed 0.00100.
gnomAD v4.1: 325 of 1,614,188 alleles (0.02%); highest among the groups gnomAD compares: African/African-American, 0.31%; 1 homozygote.

Submissions (3):

Labcorp Genetics (formerly Invitae), Labcorp
Classification: Likely benign. Last evaluated: 2026-01-14. Review status: criteria provided, single submitter. Criteria: Invitae Variant Classification Sherloc (09022015). Collection method: clinical testing. Allele origin: germline.

Illumina Laboratory Services, Illumina
Classification: Benign for Leukoencephalopathy, diffuse hereditary, with spheroids 1. Last evaluated: 2018-01-13. Review status: criteria provided, single submitter. Criteria: ICSL Variant Classification Criteria 13 December 2019. Collection method: clinical testing. Allele origin: germline.
Comment: This variant was observed in the ICSL laboratory as part of a predisposition screen in an ostensibly healthy population. It had not been previously curated by ICSL or reported in the Human Gene Mutation Database (HGMD: prior to June 1st, 2018), and was therefore a candidate for classification through an automated scoring system. Utilizing variant allele frequency, disease prevalence and penetrance estimates, and inheritance mode, an automated score was calculated to assess if this variant is too frequent to cause the disease. Based on the score and internal cut-off values, a variant classified as benign is not then subjected to further curation. The score for this variant resulted in a classification of benign for this disease.

PreventionGenetics, part of Exact Sciences
Classification: Likely benign for CSF1R-related condition. Last evaluated: 2022-02-28. Review status: no assertion criteria provided. Collection method: clinical testing. Allele origin: germline. Not counted in ClinVar's aggregate classification.
Comment: This variant is classified as likely benign based on ACMG/AMP sequence variant interpretation guidelines (Richards et al. 2015 PMID: 25741868, with internal and published modifications).